The following is an entry in ClinVar:

ClinVar aggregate classification (germline): Uncertain significance (1 of 4 stars; one submission).

Conditions:
Intellectual developmental disorder, X-linked, syndromic, Hedera type. Also called: Syndromic X-linked intellectual disability Hedera type. Identifiers: Orphanet 93952, MedGen C1845543, MONDO:0010319, OMIM 300423.

Submission:

Labcorp Genetics (formerly Invitae), Labcorp
Classification: Uncertain significance for Intellectual developmental disorder, X-linked, syndromic, Hedera type. Last evaluated: 2024-04-16. Review status: criteria provided, single submitter. Criteria: Invitae Variant Classification Sherloc (09022015). Collection method: clinical testing. Allele origin: germline.
Comment: This sequence change replaces alanine, which is neutral and non-polar, with aspartic acid, which is acidic and polar, at codon 318 of the ATP6AP2 protein (p.Ala318Asp). This variant is not present in population databases (gnomAD no frequency). This variant has not been reported in the literature in individuals affected with ATP6AP2-related conditions. ClinVar contains an entry for this variant (Variation ID: 465132). Advanced modeling of protein sequence and biophysical properties (such as structural, functional, and spatial information, amino acid conservation, physicochemical variation, residue mobility, and thermodynamic stability) performed at Invitae indicates that this missense variant is expected to disrupt ATP6AP2 protein function with a positive predictive value of 80%. In summary, the available evidence is currently insufficient to determine the role of this variant in disease. Therefore, it has been classified as a Variant of Uncertain Significance.

NM_005765.3(ATP6AP2):c.953C>A (p.Ala318Asp)

Gene: ATP6AP2 (ATPase H+ transporting accessory protein 2; plus strand). Cytogenetic location: Xp11.4.
Variant type: single nucleotide variant.
Coding change: c.953C>A on transcript NM_005765.3 (MANE Select); coding-DNA position 953, C replaced by A.
Protein change: p.Ala318Asp; replaces alanine 318 with aspartic acid.
Molecular consequence: missense variant.
Genome position (GRCh38, 1-based): chrX:40,605,655, C>A. VCF-style: chrX-40605655-C-A. GRCh37 (hg19) VCF-style: chrX-40464907-C-A.
Other names: short protein forms A318D.
Identifiers: ClinVar variation 465132 (VCV000465132.9), dbSNP rs1555978614, ClinGen allele CA412758976.